The following is an entry in ClinVar:

ClinVar aggregate classification (germline): Pathogenic (1 of 4 stars; one submission).

Conditions:
Cohen syndrome (COH1). Also called: PEPPER SYNDROME; Cutis verticis gyrata, retinitis pigmentosa, and sensorineural deafness. Identifiers: Orphanet 193, MedGen C0265223, MONDO:0008999, OMIM 216550.

Submission:

Labcorp Genetics (formerly Invitae), Labcorp
Classification: Pathogenic for Cohen syndrome. Last evaluated: 2023-04-06. Review status: criteria provided, single submitter. Criteria: Invitae Variant Classification Sherloc (09022015). Collection method: clinical testing. Allele origin: germline.
Comment: Algorithms developed to predict the effect of sequence changes on RNA splicing suggest that this variant may disrupt the consensus splice site. Disruption of this splice site has been observed in individual(s) with features of Cohen syndrome (Invitae). This variant is not present in population databases (gnomAD no frequency). This sequence change affects an acceptor splice site in intron 54 of the VPS13B gene. It is expected to disrupt RNA splicing. Variants that disrupt the donor or acceptor splice site typically lead to a loss of protein function (PMID: 16199547), and loss-of-function variants in VPS13B are known to be pathogenic (PMID: 15141358, 16648375, 20461111). For these reasons, this variant has been classified as Pathogenic.

Literature cited by the submitters: PubMed 16199547; PubMed 15141358; PubMed 16648375; PubMed 20461111.

NM_152564.5(VPS13B):c.9943-1G>A

Gene: VPS13B (vacuolar protein sorting 13 homolog B; plus strand). Cytogenetic location: 8q22.2.
Variant type: single nucleotide variant.
Coding change: c.9943-1G>A on transcript NM_152564.5 (MANE Select); the canonical splice acceptor site of the intron before coding-DNA position 9943, G replaced by A.
Molecular consequence: splice acceptor variant.
Genome position (GRCh38, 1-based): chr8:99,848,775, G>A. VCF-style: chr8-99848775-G-A. GRCh37 (hg19) VCF-style: chr8-100861003-G-A.
Other names: c.10018-1G>A (NM_017890.5).
Identifiers: ClinVar variation 2852389 (VCV002852389.3), dbSNP rs2492202628, ClinGen allele CA371779460.